The following is an entry in ClinVar:

NM_004364.5(CEBPA):c.572ACCCGC[6] (p.191HP[6])

Gene: CEBPA (CCAAT enhancer binding protein alpha; minus strand). Cytogenetic location: 19q13.11.
Variant type: Microsatellite.
Coding change: c.572ACCCGC[6] on transcript NM_004364.5 (MANE Select); six copies in a row of the 6-base unit ACCCGC starting at c.572; the reference has three copies in a row; three copies, 18 bases duplicated.
Protein change: p.191HP[6].
Molecular consequence: inframe insertion.
Genome position (GRCh38, 1-based): chr19:33,301,826-33,301,843, GCGGGTGCGGGTGCGGGT duplicated on the plus strand (ACCCGCACCCGCACCCGC on the coding strand, the reverse complement: CEBPA is on the minus strand); duplicating any 18 consecutive bases within chr19:33,301,826-33,301,846 gives the same sequence; the position shown is the placement nearest the transcript's 3' end. VCF-style (leftmost placement, unchanged base first): chr19-33301825-G-GGCGGGTGCGGGTGCGGGT. GRCh37 (hg19) VCF-style: chr19-33792731-G-GGCGGGTGCGGGTGCGGGT.
Other names: c.215ACCCGC[6], p.72HP[6] (NM_001285829.2); c.677ACCCGC[6], p.226HP[6] (NM_001287424.2); c.530ACCCGC[6], p.177HP[6] (NM_001287435.2); c.572_589dupACCCGCACCCGCACCCGC (NM_004364.3).
Identifiers: ClinVar variation 1060021 (VCV001060021.11), dbSNP rs762459325, ClinGen allele CA2580612598.

ClinVar aggregate classification (germline): Uncertain significance. Review status: criteria provided, multiple submitters, no conflicts (2 of 4 stars). 2 submissions from 2 submitters: Uncertain significance (2). Last evaluated 2026-05-21.

Conditions:
Acute myeloid leukemia (AML). Also called: Leukemia, acute myeloid, somatic; Leukemia, acute myelogenous, somatic; Acute myeloid leukemia, adult; AML adult; Acute non-lymphocytic leukemia; Acute granulocytic leukemia. Identifiers: Orphanet 519, MedGen C0023467, MeSH D015470, MONDO:0018874, OMIM 601626, HP:0004808. Disease mechanism: Constitutively activated FLT3.
Inborn genetic diseases. Identifiers: MedGen C0950123, MeSH D030342.

Submissions (2):

Ambry Genetics
Classification: Uncertain significance for Inborn genetic diseases. Last evaluated: 2026-05-21. Review status: criteria provided, single submitter. Criteria: Ambry Variant Classification Scheme 2023. Collection method: clinical testing. Allele origin: germline.
Comment: The c.572_589dup18 variant (also known as p.H191_P196dup), located in coding exon 1 of the CEBPA gene, results from an in-frame duplication of 18 nucleotides at nucleotide positions 572 to 589. This results in the duplication of 6 extra residues (HPHPHP) between codons 191 and 196. These amino acid positions are conserved on limited sequence alignment. In addition, this variant is predicted to be neutral by in silico analysis (Choi Y et al. PLoS ONE. 2012; 7(10):e46688). Based on the available evidence, the clinical significance of this variant remains unclear.

Labcorp Genetics (formerly Invitae), Labcorp
Classification: Uncertain significance for Acute myeloid leukemia. Last evaluated: 2020-06-30. Review status: criteria provided, single submitter. Criteria: Invitae Variant Classification Sherloc (09022015). Collection method: clinical testing. Allele origin: germline.
Comment: In summary, the available evidence is currently insufficient to determine the role of this variant in disease. Therefore, it has been classified as a Variant of Uncertain Significance. Experimental studies and prediction algorithms are not available or were not evaluated, and the functional significance of this variant is currently unknown. This variant has not been reported in the literature in individuals with CEBPA-related conditions. The frequency data for this variant in the population databases is considered unreliable, as metrics indicate insufficient coverage at this position in the ExAC database. This variant, c.572_589dup, results in the insertion of 6 amino acid(s) to the CEBPA protein (p.His191_Pro196dup), but otherwise preserves the integrity of the reading frame.